The following is an entry in ClinVar:

NM_000038.6(APC):c.2544A>T (p.Lys848Asn)

Gene: APC (APC regulator of Wnt signaling pathway; plus strand). Cytogenetic location: 5q22.2.
Variant type: single nucleotide variant.
Coding change: c.2544A>T on transcript NM_000038.6 (MANE Select); coding-DNA position 2544, A replaced by T.
Protein change: p.Lys848Asn; replaces lysine 848 with asparagine.
Molecular consequence: missense variant.
Genome position (GRCh38, 1-based): chr5:112,838,138, A>T. VCF-style: chr5-112838138-A-T. GRCh37 (hg19) VCF-style: chr5-112173835-A-T.
Other names: c.2544A>T, p.Lys848Asn (NM_001127510.3, NM_001354895.2); c.2490A>T, p.Lys830Asn (NM_001127511.3); c.2598A>T, p.Lys866Asn (NM_001354896.2); c.2574A>T, p.Lys858Asn (NM_001354897.2); c.2469A>T, p.Lys823Asn (NM_001354898.2); c.2460A>T, p.Lys820Asn (NM_001354899.2); c.2421A>T, p.Lys807Asn (NM_001354900.2); c.2367A>T, p.Lys789Asn (NM_001354901.2); and 5 more; short protein forms K565N, K789N, K722N, K688N, K820N, K858N, K747N, K757N.
Identifiers: ClinVar variation 1466135 (VCV001466135.11), dbSNP rs764867930, ClinGen allele CA16026907.

ClinVar aggregate classification (germline): Uncertain significance. Review status: criteria provided, multiple submitters, no conflicts (2 of 4 stars). 5 submissions from 5 submitters: Uncertain significance (5). Last evaluated 2025-11-18.

Conditions:
Classic or attenuated familial adenomatous polyposis. Identifiers: MedGen CN372698, MONDO:0021057.
Hereditary cancer-predisposing syndrome. Also called: Tumor predisposition; Hereditary Cancer Syndrome; Hereditary neoplastic syndrome; Neoplastic Syndromes, Hereditary. Identifiers: Orphanet 140162, MedGen C0027672, MeSH D009386, MONDO:0015356.
Familial adenomatous polyposis 1 (FAP1). Also called: FAMILIAL ADENOMATOUS POLYPOSIS 1, ATTENUATED; POLYPOSIS, ADENOMATOUS INTESTINAL. Identifiers: MedGen C2713442, MONDO:0021056, OMIM 175100. Disease mechanism: loss of function.

gnomAD v4.1: 3 of 1,614,168 alleles (0.00019%); highest among the groups gnomAD compares: Admixed American, 0.005%; no homozygotes.

Submissions (5):

Labcorp Genetics (formerly Invitae), Labcorp
Classification: Uncertain significance for Familial adenomatous polyposis 1. Last evaluated: 2025-11-18. Review status: criteria provided, single submitter. Criteria: Invitae Variant Classification Sherloc (09022015). Collection method: clinical testing. Allele origin: germline.
Comment: This sequence change replaces lysine, which is basic and polar, with asparagine, which is neutral and polar, at codon 848 of the APC protein (p.Lys848Asn). This variant is present in population databases (no rsID available, gnomAD 0.006%). This variant has not been reported in the literature in individuals affected with APC-related conditions. ClinVar contains an entry for this variant (Variation ID: 1466135). Invitae Evidence Modeling of protein sequence and biophysical properties (such as structural, functional, and spatial information, amino acid conservation, physicochemical variation, residue mobility, and thermodynamic stability) indicates that this missense variant is not expected to disrupt APC protein function with a negative predictive value of 95%. In summary, the available evidence is currently insufficient to determine the role of this variant in disease. Therefore, it has been classified as a Variant of Uncertain Significance.

Ambry Genetics
Classification: Uncertain significance for Hereditary cancer-predisposing syndrome. Last evaluated: 2024-03-18. Review status: criteria provided, single submitter. Criteria: Ambry Variant Classification Scheme 2023. Collection method: clinical testing. Allele origin: germline.
Comment: The p.K848N variant (also known as c.2544A>T), located in coding exon 15 of the APC gene, results from an A to T substitution at nucleotide position 2544. The lysine at codon 848 is replaced by asparagine, an amino acid with similar properties. This amino acid position is conserved. In addition, in silico predictors for this gene do not accurately predict pathogenicity. Based on the available evidence, the clinical significance of this alteration remains unclear.

All of Us Research Program, National Institutes of Health
Classification: Uncertain significance for Classic or attenuated familial adenomatous polyposis. Last evaluated: 2023-12-13. Review status: criteria provided, single submitter. Criteria: ACMG Guidelines, 2015. Collection method: clinical testing. Allele origin: germline. Inheritance: Autosomal dominant inheritance. Observed: 1 variant allele, 1 heterozygote.
Comment: This missense variant replaces lysine with asparagine at codon 848 of the APC protein. Computational prediction suggests that this variant may not impact protein structure and function (internally defined REVEL score threshold <= 0.5, PMID: 27666373). To our knowledge, functional studies have not been reported for this variant. This variant has not been reported in individuals affected with APC-related disorders in the literature. This variant has been identified in 2/251196 chromosomes in the general population by the Genome Aggregation Database (gnomAD). The available evidence is insufficient to determine the role of this variant in disease conclusively. Therefore, this variant is classified as a Variant of Uncertain Significance.

This study involves interpretation of variants in research participants for the purpose of population health screening. Participant phenotype was not available at the time of variant classification. Additional details can be found in publication PMID: 35346344, PMCID: PMC8962531

Color Diagnostics, LLC DBA Color Health
Classification: Uncertain significance for Hereditary cancer-predisposing syndrome. Last evaluated: 2023-11-10. Review status: criteria provided, single submitter. Criteria: ACMG Guidelines, 2015. Collection method: clinical testing. Allele origin: germline.
Comment: This missense variant replaces lysine with asparagine at codon 848 of the APC protein. Computational prediction suggests that this variant may not impact protein structure and function. To our knowledge, functional studies have not been reported for this variant. This variant has not been reported in individuals affected with APC-related disorders in the literature. This variant has been identified in 2/251196 chromosomes in the general population by the Genome Aggregation Database (gnomAD). The available evidence is insufficient to determine the role of this variant in disease conclusively. Therefore, this variant is classified as a Variant of Uncertain Significance.

Quest Diagnostics Nichols Institute San Juan Capistrano
Classification: Uncertain significance. Last evaluated: 2021-09-02. Review status: criteria provided, single submitter. Criteria: Quest Diagnostics criteria. Collection method: clinical testing. Allele origin: unknown.